The following is an entry in ClinVar:

NM_001042492.3(NF1):c.6514_6517del (p.Ser2172fs)

Gene: NF1 (neurofibromin 1; plus strand). Cytogenetic location: 17q11.2.
Variant type: Deletion.
Coding change: c.6514_6517del on transcript NM_001042492.3 (MANE Select); coding-DNA positions 6514 to 6517, 4 bases deleted (TCAG; older notation c.6514_6517delTCAG).
Protein change: p.Ser2172fs; shifts the reading frame from serine 2172.
Molecular consequence: frameshift variant.
Genome position (GRCh38, 1-based): chr17:31,337,454-31,337,457, TCAG deleted; deleting any 4 consecutive bases within chr17:31,337,452-31,337,457 gives the same sequence; the c. name uses the placement nearest the transcript's 3' end. VCF-style (leftmost placement, unchanged base first): chr17-31337451-AAGTC-A. GRCh37 (hg19) VCF-style: chr17-29664469-AAGTC-A.
Other names: c.6451_6454delTCAG, p.Ser2151Leufs (NM_000267.4); short protein forms S2151fs, S2172fs.
Identifiers: ClinVar variation 2714330 (VCV002714330.3), dbSNP rs2508753416, ClinGen allele CA2697559555.

ClinVar aggregate classification (germline): Pathogenic (1 of 4 stars; one submission).

Conditions:
Neurofibromatosis, type 1 (NF1). Also called: Peripheral type neurofibromatosis; VON RECKLINGHAUSEN DISEASE; NEUROFIBROMATOSIS, TYPE I, SOMATIC; Neurofibromatosis, type I. Identifiers: Orphanet 636, MedGen C0027831, MONDO:0018975, OMIM 162200. Disease mechanism: loss of function.

Submission:

Labcorp Genetics (formerly Invitae), Labcorp
Classification: Pathogenic for Neurofibromatosis, type 1. Last evaluated: 2024-01-31. Review status: criteria provided, single submitter. Criteria: Invitae Variant Classification Sherloc (09022015). Collection method: clinical testing. Allele origin: germline.
Comment: This sequence change creates a premature translational stop signal (p.Ser2151Leufs*27) in the NF1 gene. It is expected to result in an absent or disrupted protein product. Loss-of-function variants in NF1 are known to be pathogenic (PMID: 10712197, 23913538). This variant is not present in population databases (gnomAD no frequency). This variant has not been reported in the literature in individuals affected with NF1-related conditions. For these reasons, this variant has been classified as Pathogenic.

Literature cited by the submitters: PubMed 10712197; PubMed 23913538.